The following is an entry in ClinVar:

ClinVar aggregate classification (germline): Uncertain significance (1 of 4 stars; one submission).

Conditions:
Catecholaminergic polymorphic ventricular tachycardia 1. Also called: VENTRICULAR TACHYCARDIA, CATECHOLAMINERGIC POLYMORPHIC, 1, WITH OR WITHOUT ATRIAL DYSFUNCTION AND/OR DILATED CARDIOMYOPATHY; VENTRICULAR TACHYCARDIA, STRESS-INDUCED POLYMORPHIC 1; RYR2-Related Catecholaminergic Polymorphic Ventricular Tachycardia. Identifiers: Orphanet 3286, MedGen C1631597, MONDO:0011484, OMIM 604772.

Submission:

Labcorp Genetics (formerly Invitae), Labcorp
Classification: Uncertain significance for Catecholaminergic polymorphic ventricular tachycardia 1. Last evaluated: 2019-02-13. Review status: criteria provided, single submitter. Criteria: Invitae Variant Classification Sherloc (09022015). Collection method: clinical testing. Allele origin: germline.
Comment: In summary, the available evidence is currently insufficient to determine the role of this variant in disease. Therefore, it has been classified as a Variant of Uncertain Significance. Algorithms developed to predict the effect of missense changes on protein structure and function are either unavailable or do not agree on the potential impact of this missense change (SIFT: "Deleterious"; PolyPhen-2: "Probably Damaging"; Align-GVGD: "Class C0"). This variant has not been reported in the literature in individuals with RYR2-related conditions. This variant is not present in population databases (ExAC no frequency). This sequence change replaces serine with tyrosine at codon 72 of the RYR2 protein (p.Ser72Tyr). The serine residue is moderately conserved and there is a large physicochemical difference between serine and tyrosine.

NM_001035.3(RYR2):c.215C>A (p.Ser72Tyr)

Gene: RYR2 (ryanodine receptor 2; plus strand). Cytogenetic location: 1q43.
Variant type: single nucleotide variant.
Coding change: c.215C>A on transcript NM_001035.3 (MANE Select); coding-DNA position 215, C replaced by A.
Protein change: p.Ser72Tyr; replaces serine 72 with tyrosine.
Molecular consequence: missense variant.
Genome position (GRCh38, 1-based): chr1:237,330,924, C>A. VCF-style: chr1-237330924-C-A. GRCh37 (hg19) VCF-style: chr1-237494224-C-A.
Other names: short protein forms S72Y.
Identifiers: ClinVar variation 848114 (VCV000848114.11), dbSNP rs1696644532, ClinGen allele CA345654634.
Genomic context (GRCh38, chr1:237,330,924, plus strand): 5'-CTCTTTCTGTGCAGAATGTGCCCCCAGACCTCTCCATCTGCACCTTTGTGCTGGAGCAGT[C>A]CCTCTCTGTCCGGGCGCTGCAGGAGATGCTGGCTAACACCGTGGAGAAATCAGAAGGGGC-3'
Protein context (NP_001026.2, residues 62-82): LSICTFVLEQ[Ser72Tyr]LSVRALQEML